The following is an entry in ClinVar:

ClinVar aggregate classification (germline): Likely pathogenic (1 of 4 stars; one submission).

Conditions:
Kleefstra syndrome 1 (KLEFS1). Identifiers: Orphanet 261494, MedGen C0795833, MONDO:0027407, OMIM 610253.

Submission:

Molecular Genetics Laboratory, Motol Hospital
Classification: Likely pathogenic for Kleefstra syndrome 1. Last evaluated: 2024-10-14. Review status: criteria provided, single submitter. Criteria: ACMG Guidelines, 2015. Collection method: clinical testing. Allele origin: germline. Affected: yes. Observed: 1 variant allele.
Comment: The variant is rare as it is not present in the gnomAD database (v4.1.0). De novo heterozygous truncating variants (nonsense, frameshift) and deletions leading to the EHMT1 gene haploinsufficiency were found in multiple individuals with Kleefstra syndrome 1 (autosomal dominant inheritance). The parental DNA samples have not been available for testing so far. To conclude, the variant is classified as likely pathogenic (ACMG PVS1, PM2).

Literature cited by the submitters: PubMed 16826528; PubMed 22726846; PubMed 39013458.

NM_024757.5(EHMT1):c.1689_1707dup (p.Pro570fs)

Gene: EHMT1 (euchromatic histone lysine methyltransferase 1; plus strand). Cytogenetic location: 9q34.3.
Variant type: Duplication.
Coding change: c.1689_1707dup on transcript NM_024757.5 (MANE Select); coding-DNA positions 1689 to 1707, 19 bases duplicated (GCGCCCCTCCAACAAGGCC).
Protein change: p.Pro570fs; shifts the reading frame from proline 570.
Molecular consequence: frameshift variant.
Genome position (GRCh38, 1-based): chr9:137,775,150-137,775,168, GCGCCCCTCCAACAAGGCC duplicated. VCF-style (leftmost placement, unchanged base first): chr9-137775149-T-TGCGCCCCTCCAACAAGGCC. GRCh37 (hg19) VCF-style: chr9-140669601-T-TGCGCCCCTCCAACAAGGCC.
Other names: c.1689_1707dup, p.Pro570fs (NM_001145527.2); c.1596_1614dup, p.Pro539fs (NM_001354259.2); c.1668_1686dup, p.Pro563fs (NM_001354263.2); short protein forms P539fs, P563fs, P570fs.
Identifiers: ClinVar variation 3362903 (VCV003362903.2).